The following is an entry in ClinVar:

NM_001013838.3(CARMIL2):c.1155G>T (p.Arg385Ser)

Gene: CARMIL2 (capping protein regulator and myosin 1 linker 2; plus strand). Cytogenetic location: 16q22.1.
Variant type: single nucleotide variant.
Coding change: c.1155G>T on transcript NM_001013838.3 (MANE Select); coding-DNA position 1155, G replaced by T.
Protein change: p.Arg385Ser; replaces arginine 385 with serine.
Molecular consequence: missense variant. On other transcripts: intron variant (1).
Genome position (GRCh38, 1-based): chr16:67,648,135, G>T. VCF-style: chr16-67648135-G-T. GRCh37 (hg19) VCF-style: chr16-67682038-G-T.
Other names: c.1149+6G>T (NM_001317026.3); short protein forms R385S.
Identifiers: ClinVar variation 1375101 (VCV001375101.5), dbSNP rs754658699, ClinGen allele CA8113355.
Genomic context (GRCh38, chr16:67,648,135, plus strand): 5'-TCCTAACGTACTGTCGTTCCTGAATCTCGCAGGCACCGACACTGCCCTGGACACTGTGAG[G>T]GGGTGCTCCGTGGGGGGATGGATGACCGGCAGGGCGGACTGGAGGGCGGGACGGGGAGGG-3'
Protein context (NP_001013860.1, residues 375-395): AGTDTALDTV[Arg385Ser]GCSVGGWMTG

ClinVar aggregate classification (germline): Uncertain significance (1 of 4 stars; one submission).

Allele frequency attached by ClinVar (database versions not stated): gnomAD exomes below 0.00001 and 0.00001; TOPMed below 0.00001; gnomAD 0.00001; ExAC 0.00002.
gnomAD v4.1: 6 of 1,612,808 alleles (0.00037%); highest among the groups gnomAD compares: Non-Finnish European, 0.00051%; no homozygotes.

Submission:

Labcorp Genetics (formerly Invitae), Labcorp
Classification: Uncertain significance. Last evaluated: 2021-09-24. Review status: criteria provided, single submitter. Criteria: Invitae Variant Classification Sherloc (09022015). Collection method: clinical testing. Allele origin: germline.
Comment: This sequence change replaces arginine with serine at codon 385 of the CARMIL2 protein (p.Arg385Ser). The arginine residue is weakly conserved and there is a moderate physicochemical difference between arginine and serine. This variant is present in population databases (rs754658699, ExAC 0.003%). This variant has not been reported in the literature in individuals with CARMIL2-related conditions. Algorithms developed to predict the effect of missense changes on protein structure and function output the following: SIFT: "Deleterious"; PolyPhen-2: "Benign"; Align-GVGD: "Class C0". The serine amino acid residue is found in multiple mammalian species, suggesting that this missense change does not adversely affect protein function. These predictions have not been confirmed by published functional studies and their clinical significance is uncertain. In summary, the available evidence is currently insufficient to determine the role of this variant in disease. Therefore, it has been classified as a Variant of Uncertain Significance.